The following is an entry in ClinVar:

ClinVar aggregate classification (germline): Benign/Likely benign. Review status: criteria provided, multiple submitters, no conflicts (2 of 4 stars). 4 submissions from 4 submitters: Benign (1); Likely benign (3). Last evaluated 2026-01-07.

Conditions:
TET2-related disorder. Also called: TET2-related condition.

Allele frequency attached by ClinVar (database versions not stated): ExAC 0.00061; gnomAD 0.00206; TOPMed 0.00224; ESP Exome Variant Server 0.00231; 1000 Genomes Project 0.00339; 1000 Genomes Project 30x 0.00344.
gnomAD v4.1: 679 of 1,614,122 alleles (0.042%); highest among the groups gnomAD compares: African/African-American, 0.76%; 3 homozygotes.

Submissions (4):

Labcorp Genetics (formerly Invitae), Labcorp
Classification: Benign. Last evaluated: 2026-01-07. Review status: criteria provided, single submitter. Criteria: Invitae Variant Classification Sherloc (09022015). Collection method: clinical testing. Allele origin: germline.

PreventionGenetics, part of Exact Sciences
Classification: Likely benign for TET2-related condition. Last evaluated: 2025-09-26. Review status: criteria provided, single submitter. Criteria: ACMG Guidelines, 2015. Collection method: clinical testing. Allele origin: germline.
Comment: This variant is classified as likely benign based on ACMG/AMP sequence variant interpretation guidelines (Richards et al. 2015 PMID: 25741868, with internal and published modifications).

Ambry Genetics
Classification: Likely benign. Last evaluated: 2024-10-02. Review status: criteria provided, single submitter. Criteria: Ambry Variant Classification Scheme 2023. Collection method: clinical testing. Allele origin: germline.

CeGaT Center for Human Genetics Tuebingen
Classification: Likely benign. Last evaluated: 2022-04-01. Review status: criteria provided, single submitter. Criteria: CeGaT Center For Human Genetics Tuebingen Variant Classification Criteria Version 2. Collection method: clinical testing. Allele origin: germline. Affected: yes. Observed: 1 variant allele.
Comment: TET2: BP4, BP7

NM_001127208.3(TET2):c.37A>C (p.Arg13=)

Genes: TET2 (tet methylcytosine dioxygenase 2; plus strand), TET2-AS1 (TET2 antisense RNA 1; minus strand). Cytogenetic location: 4q24.
Variant type: single nucleotide variant.
Coding change: c.37A>C on transcript NM_001127208.3 (MANE Select); coding-DNA position 37, A replaced by C.
Protein change: p.Arg13=; no amino-acid change (arginine 13 retained).
Molecular consequence: synonymous variant.
Genome position (GRCh38, 1-based): chr4:105,233,979, A>C. VCF-style: chr4-105233979-A-C. GRCh37 (hg19) VCF-style: chr4-106155136-A-C.
Other names: c.37A>C, p.Arg13= (NM_017628.4).
Identifiers: ClinVar variation 2044059 (VCV002044059.30), dbSNP rs146373819, ClinGen allele CA3031436.